The following is an entry in ClinVar:

ClinVar aggregate classification (germline): Uncertain significance (1 of 4 stars; one submission).

Submission:

Labcorp Genetics (formerly Invitae), Labcorp
Classification: Uncertain significance. Last evaluated: 2021-12-02. Review status: criteria provided, single submitter. Criteria: Invitae Variant Classification Sherloc (09022015). Collection method: clinical testing. Allele origin: germline.
Comment: In summary, the available evidence is currently insufficient to determine the role of this variant in disease. Therefore, it has been classified as a Variant of Uncertain Significance. Algorithms developed to predict the effect of missense changes on protein structure and function are either unavailable or do not agree on the potential impact of this missense change (SIFT: "Not Available"; PolyPhen-2: "Probably Damaging"; Align-GVGD: "Not Available"). This variant has not been reported in the literature in individuals affected with ANK3-related conditions. This variant is not present in population databases (gnomAD no frequency). This sequence change replaces glycine with valine at codon 1734 of the ANK3 protein (p.Gly1734Val). The glycine residue is weakly conserved and there is a moderate physicochemical difference between glycine and valine.

NM_020987.5(ANK3):c.5201G>T (p.Gly1734Val)

Gene: ANK3 (ankyrin 3; minus strand). Cytogenetic location: 10q21.2.
Variant type: single nucleotide variant.
Coding change: c.5201G>T on transcript NM_020987.5 (MANE Select); coding-DNA position 5201, G replaced by T.
Protein change: p.Gly1734Val; replaces glycine 1734 with valine.
Molecular consequence: missense variant. On other transcripts: intron variant (4).
Genome position (GRCh38, 1-based): chr10:60,075,680, C>A on the plus strand (G>T on the coding strand, the complement: ANK3 is on the minus strand). VCF-style: chr10-60075680-C-A. GRCh37 (hg19) VCF-style: chr10-61835438-C-A.
Other names: c.4387+4857G>T (NM_001204403.2); c.4408+4857G>T (NM_001204404.2); c.4405+4857G>T (NM_001320874.2); c.1807+4857G>T (NM_001149.4); short protein forms G1734V.
Identifiers: ClinVar variation 1486604 (VCV001486604.6), dbSNP rs1353989454, ClinGen allele CA377016027.